The following is an entry in ClinVar:

NM_001395656.1(ROBO2):c.3611C>T (p.Pro1204Leu)

Gene: ROBO2 (roundabout guidance receptor 2; plus strand). Cytogenetic location: 3p12.3.
Variant type: single nucleotide variant.
Coding change: c.3611C>T on transcript NM_001395656.1 (MANE Select); coding-DNA position 3611, C replaced by T.
Protein change: p.Pro1204Leu; replaces proline 1204 with leucine.
Molecular consequence: missense variant.
Genome position (GRCh38, 1-based): chr3:77,622,271, C>T. VCF-style: chr3-77622271-C-T. GRCh37 (hg19) VCF-style: chr3-77671422-C-T.
Other names: c.3680C>T, p.Pro1227Leu (NM_001378192.1, NM_001378198.1, NM_001378199.1); c.3599C>T, p.Pro1200Leu (NM_001378193.1, NM_002942.5); c.3797C>T, p.Pro1266Leu (NM_001378194.1); c.3785C>T, p.Pro1262Leu (NM_001378195.1, NM_001378196.1, NM_001378191.1); c.3725C>T, p.Pro1242Leu (NM_001378197.1); c.3659C>T, p.Pro1220Leu (NM_001378200.1, NM_001378190.1, NM_001378201.1 and 1 more transcripts); c.3647C>T, p.Pro1216Leu (NM_001128929.3); c.3611C>T, p.Pro1204Leu (NM_001290039.2, NM_001290040.2); and 6 more; short protein forms P1200L, P1220L, P1227L, P1223L, P1242L, P1204L, P1216L, P1262L.
Identifiers: ClinVar variation 2891782 (VCV002891782.4), dbSNP rs376068100, ClinGen allele CA2497695.

ClinVar aggregate classification (germline): Uncertain significance. Review status: criteria provided, multiple submitters, no conflicts (2 of 4 stars). 2 submissions from 2 submitters: Uncertain significance (2). Last evaluated 2025-06-12.

Conditions:
Inborn genetic diseases. Identifiers: MedGen C0950123, MeSH D030342.

Allele frequency attached by ClinVar (database versions not stated): ExAC 0.00002; gnomAD 0.00002; ESP Exome Variant Server 0.00008; TOPMed 0.00003; gnomAD exomes 0.00002.
gnomAD v4.1: 28 of 1,613,992 alleles (0.0017%); highest among the groups gnomAD compares: Middle Eastern, 0.016%; no homozygotes.

Submissions (2):

Labcorp Genetics (formerly Invitae), Labcorp
Classification: Uncertain significance. Last evaluated: 2025-06-12. Review status: criteria provided, single submitter. Criteria: Invitae Variant Classification Sherloc (09022015). Collection method: clinical testing. Allele origin: germline.
Comment: This sequence change replaces proline, which is neutral and non-polar, with leucine, which is neutral and non-polar, at codon 1200 of the ROBO2 protein (p.Pro1200Leu). This variant is present in population databases (rs376068100, gnomAD 0.01%). This variant has not been reported in the literature in individuals affected with ROBO2-related conditions. ClinVar contains an entry for this variant (Variation ID: 2891782). Invitae Evidence Modeling of protein sequence and biophysical properties (such as structural, functional, and spatial information, amino acid conservation, physicochemical variation, residue mobility, and thermodynamic stability) indicates that this missense variant is not expected to disrupt ROBO2 protein function with a negative predictive value of 95%. In summary, the available evidence is currently insufficient to determine the role of this variant in disease. Therefore, it has been classified as a Variant of Uncertain Significance.

Ambry Genetics
Classification: Uncertain significance for Inborn genetic diseases. Last evaluated: 2024-05-24. Review status: criteria provided, single submitter. Criteria: Ambry Variant Classification Scheme 2023. Collection method: clinical testing. Allele origin: germline.